The following is an entry in ClinVar:

NM_000051.4(ATM):c.4436+12A>G

Gene: ATM (ATM serine/threonine kinase; plus strand). Cytogenetic location: 11q22.3.
Variant type: single nucleotide variant.
Coding change: c.4436+12A>G on transcript NM_000051.4 (MANE Select); 12 bases into the intron after coding-DNA position 4436, A replaced by G.
Molecular consequence: intron variant.
Genome position (GRCh38, 1-based): chr11:108,289,813, A>G. VCF-style: chr11-108289813-A-G. GRCh37 (hg19) VCF-style: chr11-108160540-A-G.
Other names: c.4436+12A>G (NM_001351834.2).
Identifiers: ClinVar variation 383720 (VCV000383720.4), dbSNP rs1057521715, ClinGen allele CA16606074.

ClinVar aggregate classification (germline): Likely benign. Review status: criteria provided, multiple submitters, no conflicts (2 of 4 stars). 2 submissions from 2 submitters: Likely benign (2). Last evaluated 2024-04-22.

Conditions:
Ataxia-telangiectasia syndrome (AT). Also called: AT, COMPLEMENTATION GROUP C; ATAXIA-TELANGIECTASIA, COMPLEMENTATION GROUP A; ATAXIA-TELANGIECTASIA, FRESNO VARIANT; LOUIS-BAR SYNDROME; Ataxia-telangiectasia; Cerebello-oculocutaneous telangiectasia. Identifiers: Orphanet 100, MedGen C0004135, MONDO:0008840, OMIM 208900.

Submissions (2):

Labcorp Genetics (formerly Invitae), Labcorp
Classification: Likely benign for Ataxia-telangiectasia syndrome. Last evaluated: 2024-04-22. Review status: criteria provided, single submitter. Criteria: Invitae Variant Classification Sherloc (09022015). Collection method: clinical testing. Allele origin: germline.

GeneDx
Classification: Likely benign. Last evaluated: 2016-02-08. Review status: criteria provided, single submitter. Criteria: GeneDx Variant Classification (06012015). Collection method: clinical testing. Allele origin: germline. Affected: yes.
Comment: This variant is considered likely benign or benign based on one or more of the following criteria: it is a conservative change, it occurs at a poorly conserved position in the protein, it is predicted to be benign by multiple in silico algorithms, and/or has population frequency not consistent with disease.